The following is an entry in ClinVar:

ClinVar aggregate classification (germline): Conflicting classifications of pathogenicity. Review status: criteria provided, conflicting classifications (1 of 4 stars). 3 submissions from 3 submitters: Uncertain significance (2); Benign (1). Last evaluated 2025-01-11.

Conditions:
Adams-Oliver syndrome 5 (AOS5). Identifiers: Orphanet 974, MedGen C4014970, MONDO:0014459, OMIM 616028.
Familial thoracic aortic aneurysm and aortic dissection (TAAD). Also called: Thoracic aortic aneurysms and dissections. Identifiers: Orphanet 91387, MedGen C4707243, MONDO:0019625.

Allele frequency attached by ClinVar (database versions not stated): gnomAD exomes below 0.00001.
gnomAD v4.1: 3 of 1,612,820 alleles (0.00019%); highest among the groups gnomAD compares: East Asian, 0.0022%; no homozygotes.

Submissions (3):

Labcorp Genetics (formerly Invitae), Labcorp
Classification: Benign for Adams-Oliver syndrome 5. Last evaluated: 2025-01-11. Review status: criteria provided, single submitter. Criteria: Invitae Variant Classification Sherloc (09022015). Collection method: clinical testing. Allele origin: germline.

Ambry Genetics
Classification: Uncertain significance for Familial thoracic aortic aneurysm and aortic dissection. Last evaluated: 2024-03-01. Review status: criteria provided, single submitter. Criteria: Ambry Variant Classification Scheme 2023. Collection method: clinical testing. Allele origin: germline.

GeneDx
Classification: Uncertain significance. Last evaluated: 2019-07-22. Review status: criteria provided, single submitter. Criteria: GeneDx Variant Classification Process June 2021. Collection method: clinical testing. Allele origin: germline. Affected: yes.
Comment: Has not been previously published as pathogenic or benign to our knowledge; Not observed at a significant frequency in large population cohorts (Lek et al., 2016); In silico analysis, which includes protein predictors and evolutionary conservation, supports a deleterious effect

NM_017617.5(NOTCH1):c.997A>C (p.Ser333Arg)

Gene: NOTCH1 (notch receptor 1; minus strand). Cytogenetic location: 9q34.3.
Variant type: single nucleotide variant.
Coding change: c.997A>C on transcript NM_017617.5 (MANE Select); coding-DNA position 997, A replaced by C.
Protein change: p.Ser333Arg; replaces serine 333 with arginine.
Molecular consequence: missense variant.
Genome position (GRCh38, 1-based): chr9:136,518,693, T>G on the plus strand (A>C on the coding strand, the complement: NOTCH1 is on the minus strand). VCF-style: chr9-136518693-T-G. GRCh37 (hg19) VCF-style: chr9-139413145-T-G.
Other names: short protein forms S333R.
Identifiers: ClinVar variation 1302366 (VCV001302366.7), dbSNP rs895972070, ClinGen allele CA375565449.